The following is an entry in ClinVar:

NM_002709.3(PPP1CB):c.592G>C (p.Gly198Arg)

Gene: PPP1CB (protein phosphatase 1 catalytic subunit beta; plus strand). Cytogenetic location: 2p23.2.
Variant type: single nucleotide variant.
Coding change: c.592G>C on transcript NM_002709.3 (MANE Select); coding-DNA position 592, G replaced by C.
Protein change: p.Gly198Arg; replaces glycine 198 with arginine.
Molecular consequence: missense variant.
Genome position (GRCh38, 1-based): chr2:28,783,978, G>C. VCF-style: chr2-28783978-G-C. GRCh37 (hg19) VCF-style: chr2-29006844-G-C.
Other names: c.592G>C, p.Gly198Arg (NM_206876.2); short protein forms G198R.
Identifiers: ClinVar variation 4993124 (VCV004993124.1).

ClinVar aggregate classification (germline): Uncertain significance (1 of 4 stars; one submission).

Conditions:
PPP1CB-related disorder. Also called: PPP1CB-related condition.

Submission:

PreventionGenetics, part of Exact Sciences
Classification: Uncertain significance for PPP1CB-related condition. Last evaluated: 2025-11-26. Review status: criteria provided, single submitter. Criteria: ACMG Guidelines, 2015. Collection method: clinical testing. Allele origin: germline.
Comment: The PPP1CB c.592G>C variant is predicted to result in the amino acid substitution p.Gly198Arg. To our knowledge, this variant has not been reported in the literature or in a large population database (gnomAD), indicating this variant is rare. At this time, the clinical significance of this variant is uncertain due to the absence of conclusive functional and genetic evidence.